The following is an entry in ClinVar:

ClinVar aggregate classification (germline): Likely benign. Review status: criteria provided, multiple submitters, no conflicts (2 of 4 stars). 3 submissions from 3 submitters: Likely benign (2). 1 of the submissions does not count toward it. Last evaluated 2025-05-14.

Conditions:
TUBGCP6-related disorder. Also called: TUBGCP6-related condition.

Allele frequency attached by ClinVar (database versions not stated): ExAC 0.00001; gnomAD 0.00003 and 0.00004; TOPMed 0.00003.
gnomAD v4.1: 7 of 1,577,216 alleles (0.00044%); highest among the groups gnomAD compares: Admixed American, 0.0017%; no homozygotes.

Submissions (3):

Labcorp Genetics (formerly Invitae), Labcorp
Classification: Likely benign. Last evaluated: 2025-05-14. Review status: criteria provided, single submitter. Criteria: Invitae Variant Classification Sherloc (09022015). Collection method: clinical testing. Allele origin: germline.

Blueprint Genetics
Classification: Likely benign. Last evaluated: 2022-09-02. Review status: criteria provided, single submitter. Criteria: ACMG Guidelines, 2015. Collection method: clinical testing. Allele origin: germline.

PreventionGenetics, part of Exact Sciences
Classification: Likely benign for TUBGCP6-related condition. Last evaluated: 2019-07-15. Review status: no assertion criteria provided. Collection method: clinical testing. Allele origin: germline. Not counted in ClinVar's aggregate classification.
Comment: This variant is classified as likely benign based on ACMG/AMP sequence variant interpretation guidelines (Richards et al. 2015 PMID: 25741868, with internal and published modifications).

NM_020461.4(TUBGCP6):c.4056C>T (p.Pro1352=)

Gene: TUBGCP6 (tubulin gamma complex component 6; minus strand). Cytogenetic location: 22q13.33.
Variant type: single nucleotide variant.
Coding change: c.4056C>T on transcript NM_020461.4 (MANE Select); coding-DNA position 4056, C replaced by T.
Protein change: p.Pro1352=; no amino-acid change (proline 1352 retained).
Molecular consequence: synonymous variant.
Genome position (GRCh38, 1-based): chr22:50,220,303, G>A on the plus strand (C>T on the coding strand, the complement: TUBGCP6 is on the minus strand). VCF-style: chr22-50220303-G-A. GRCh37 (hg19) VCF-style: chr22-50658732-G-A.
Other names: c.4056C>T (NM_020461.3).
Identifiers: ClinVar variation 1627106 (VCV001627106.10), dbSNP rs750766179, ClinGen allele CA10307740.